The following is an entry in ClinVar:

NM_199355.4(ADAMTS18):c.1979G>A (p.Ser660Asn)

Gene: ADAMTS18 (ADAM metallopeptidase with thrombospondin type 1 motif 18; minus strand). Cytogenetic location: 16q23.1.
Variant type: single nucleotide variant.
Coding change: c.1979G>A on transcript NM_199355.4 (MANE Select); coding-DNA position 1979, G replaced by A.
Protein change: p.Ser660Asn; replaces serine 660 with asparagine.
Molecular consequence: missense variant.
Genome position (GRCh38, 1-based): chr16:77,325,919, C>T on the plus strand (G>A on the coding strand, the complement: ADAMTS18 is on the minus strand). VCF-style: chr16-77325919-C-T. GRCh37 (hg19) VCF-style: chr16-77359816-C-T.
Other names: c.1463G>A, p.Ser488Asn (NM_001326358.2); c.1979G>A (NM_199355.3); short protein forms S488N, S660N.
Identifiers: ClinVar variation 1089403 (VCV001089403.16), dbSNP rs148442712, ClinGen allele CA8181107.

ClinVar aggregate classification (germline): Likely benign. Review status: criteria provided, multiple submitters, no conflicts (2 of 4 stars). 6 submissions from 6 submitters: Likely benign (2). 4 of the submissions do not count toward it. Last evaluated 2025-10-26.

Conditions:
ADAMTS18-related disorder. Also called: ADAMTS18-related condition.

Allele frequency attached by ClinVar (database versions not stated): 1000 Genomes Project 30x 0.00031; 1000 Genomes Project 0.00040; ExAC 0.00072; TOPMed 0.00077; gnomAD exomes 0.00081; gnomAD 0.00088; ESP Exome Variant Server 0.00100.

Submissions (6):

Labcorp Genetics (formerly Invitae), Labcorp
Classification: Likely benign. Last evaluated: 2025-10-26. Review status: criteria provided, single submitter. Criteria: Invitae Variant Classification Sherloc (09022015). Collection method: clinical testing. Allele origin: germline.

Blueprint Genetics
Classification: Likely benign. Last evaluated: 2024-11-13. Review status: criteria provided, single submitter. Criteria: ACMG Guidelines, 2015. Collection method: clinical testing. Allele origin: germline.

PreventionGenetics, part of Exact Sciences
Classification: Likely benign for ADAMTS18-related condition. Last evaluated: 2023-01-12. Review status: no assertion criteria provided. Collection method: clinical testing. Allele origin: germline. Not counted in ClinVar's aggregate classification.
Comment: This variant is classified as likely benign based on ACMG/AMP sequence variant interpretation guidelines (Richards et al. 2015 PMID: 25741868, with internal and published modifications).

Clinical Genetics DNA and cytogenetics Diagnostics Lab, Erasmus MC, Erasmus Medical Center
Classification: Likely benign. Review status: no assertion criteria provided. Collection method: clinical testing. Allele origin: germline. Affected: yes. Study: VKGL Data-share Consensus. Not counted in ClinVar's aggregate classification.

Clinical Genetics, Academic Medical Center
Classification: Likely benign. Review status: no assertion criteria provided. Collection method: clinical testing. Allele origin: germline. Affected: yes. Study: VKGL Data-share Consensus. Not counted in ClinVar's aggregate classification.

Genome Diagnostics Laboratory, University Medical Center Utrecht
Classification: Likely benign. Review status: no assertion criteria provided. Collection method: clinical testing. Allele origin: germline. Affected: yes. Study: VKGL Data-share Consensus. Not counted in ClinVar's aggregate classification.